The following is an entry in ClinVar:

ClinVar aggregate classification (germline): Likely benign (0 of 4 stars; one submission).

Conditions:
NCOA1-related disorder. Also called: NCOA1-related condition.

gnomAD v4.1: 4 of 1,612,316 alleles (0.00025%); highest among the groups gnomAD compares: Admixed American, 0.0067%; no homozygotes.

Submission:

PreventionGenetics, part of Exact Sciences
Classification: Likely benign for NCOA1-related condition. Last evaluated: 2024-04-18. Review status: no assertion criteria provided. Collection method: clinical testing. Allele origin: germline.
Comment: This variant is classified as likely benign based on ACMG/AMP sequence variant interpretation guidelines (Richards et al. 2015 PMID: 25741868, with internal and published modifications).

NM_003743.5(NCOA1):c.3881+10C>G

Gene: NCOA1 (nuclear receptor coactivator 1; plus strand). Cytogenetic location: 2p23.3.
Variant type: single nucleotide variant.
Coding change: c.3881+10C>G on transcript NM_003743.5 (MANE Select); 10 bases into the intron after coding-DNA position 3881, C replaced by G.
Molecular consequence: intron variant.
Genome position (GRCh38, 1-based): chr2:24,752,166, C>G. VCF-style: chr2-24752166-C-G. GRCh37 (hg19) VCF-style: chr2-24975035-C-G.
Other names: c.3881+10C>G (NM_001362950.1, NM_147223.3, NM_001362955.1 and 3 more transcripts).
Identifiers: ClinVar variation 3345028 (VCV003345028.1).